The following is an entry in ClinVar:

NM_198076.6(COX20):c.42+743G>C

Gene: COX20 (cytochrome c oxidase assembly factor COX20; plus strand). Cytogenetic location: 1q44.
Variant type: single nucleotide variant.
Coding change: c.42+743G>C on transcript NM_198076.6 (MANE Select); 743 bases into the intron after coding-DNA position 42, G replaced by C.
Molecular consequence: intron variant. On other transcripts: synonymous variant (1).
Genome position (GRCh38, 1-based): chr1:244,836,499, G>C. VCF-style: chr1-244836499-G-C. GRCh37 (hg19) VCF-style: chr1-244999801-G-C.
Other names: c.57G>C, p.Ser19= (NM_001312872.1); c.42+743G>C (NM_001312871.1, NM_001312874.1); c.22+763G>C (NM_001312873.1).
Identifiers: ClinVar variation 1298469 (VCV001298469.36), dbSNP rs12141433, ClinGen allele CA1486058.

ClinVar aggregate classification (germline): Likely benign. Review status: criteria provided, multiple submitters, no conflicts (2 of 4 stars). 3 submissions from 3 submitters: Likely benign (3). Last evaluated 2026-06-01.

Allele frequency attached by ClinVar (database versions not stated): ExAC 0.00072; 1000 Genomes Project 0.00100; 1000 Genomes Project 30x 0.00109; gnomAD exomes 0.00144 and 0.00182; gnomAD 0.00180 and 0.00185; TOPMed 0.00189.
gnomAD v4.1: 2,812 of 1,550,450 alleles (0.18%); highest among the groups gnomAD compares: Admixed American, 0.35%; 11 homozygotes.

Submissions (3):

CeGaT Center for Human Genetics Tuebingen
Classification: Likely benign. Last evaluated: 2026-06-01. Review status: criteria provided, single submitter. Criteria: CeGaT Center For Human Genetics Tuebingen Variant Classification Criteria Version 2. Collection method: clinical testing. Allele origin: germline. Affected: yes. Observed: 13 variant alleles.
Comment: COX20: BP4, BP7

Blueprint Genetics
Classification: Likely benign. Last evaluated: 2024-11-22. Review status: criteria provided, single submitter. Criteria: ACMG Guidelines, 2015. Collection method: clinical testing. Allele origin: germline.

Breakthrough Genomics
Classification: Likely benign. Review status: criteria provided, single submitter. Criteria: ACMG Guidelines, 2015. Collection method: not provided. Allele origin: germline. Inheritance: Autosomal recessive inheritance. Affected: yes.